The following is an entry in ClinVar:

NM_212482.4(FN1):c.6467C>T (p.Thr2156Met)

Gene: FN1 (fibronectin 1; minus strand). Cytogenetic location: 2q35.
Variant type: single nucleotide variant.
Coding change: c.6467C>T on transcript NM_212482.4 (MANE Select); coding-DNA position 6467, C replaced by T.
Protein change: p.Thr2156Met; replaces threonine 2156 with methionine.
Molecular consequence: missense variant. On other transcripts: intron variant (3).
Genome position (GRCh38, 1-based): chr2:215,372,156, G>A on the plus strand (C>T on the coding strand, the complement: FN1 is on the minus strand). VCF-style: chr2-215372156-G-A. GRCh37 (hg19) VCF-style: chr2-216236879-G-A.
Other names: c.6467C>T, p.Thr2156Met (NM_001306129.2); c.5924C>T, p.Thr1975Met (NM_001306131.2, NM_212476.3); c.5849C>T, p.Thr1950Met (NM_001306132.2, NM_001365523.2); c.6197C>T, p.Thr2066Met (NM_001365517.2, NM_001365521.2); c.6194C>T, p.Thr2065Met (NM_001365518.2, NM_002026.4); c.6122C>T, p.Thr2041Met (NM_001365519.2, NM_001365522.2); c.6119C>T, p.Thr2040Met (NM_001365520.2, NM_212478.3); c.5705-141C>T (NM_212474.3); and 3 more; short protein forms T2040M, T2041M, T2066M, T2156M, T2065M, T1950M, T1975M.
Identifiers: ClinVar variation 1480826 (VCV001480826.7), dbSNP rs147481936, ClinGen allele CA2093846.

ClinVar aggregate classification (germline): Uncertain significance. Review status: criteria provided, multiple submitters, no conflicts (2 of 4 stars). 3 submissions from 3 submitters: Uncertain significance (3). Last evaluated 2025-06-12.

Conditions:
Spondylometaphyseal dysplasia - Sutcliffe type. Also called: Spondylometaphyseal dysplasia, 'corner fracture' type; Spondylometaphyseal Dysplasia, Corner Fracture Type; Sutcliffe type of spondylometaphyseal dysplasia; Sutcliffe SMD. Identifiers: Orphanet 93315, MedGen C0432221, MONDO:0008479, OMIM 184255.
Glomerulopathy with fibronectin deposits 2 (GFND2). Identifiers: Orphanet 84090, MedGen C1866075, MONDO:0011165, OMIM 601894.
Inborn genetic diseases. Identifiers: MedGen C0950123, MeSH D030342.

Allele frequency attached by ClinVar (database versions not stated): ExAC 0.00001; gnomAD 0.00001 and 0.00003; gnomAD exomes 0.00001; TOPMed 0.00001; 1000 Genomes Project 30x 0.00016; 1000 Genomes Project 0.00020.
gnomAD v4.1: 21 of 1,614,234 alleles (0.0013%); highest among the groups gnomAD compares: East Asian, 0.0067%; no homozygotes.

Submissions (3):

Labcorp Genetics (formerly Invitae), Labcorp
Classification: Uncertain significance. Last evaluated: 2025-06-12. Review status: criteria provided, single submitter. Criteria: Invitae Variant Classification Sherloc (09022015). Collection method: clinical testing. Allele origin: germline.
Comment: This sequence change replaces threonine, which is neutral and polar, with methionine, which is neutral and non-polar, at codon 2156 of the FN1 protein (p.Thr2156Met). This variant is present in population databases (rs147481936, gnomAD 0.003%). This variant has not been reported in the literature in individuals affected with FN1-related conditions. ClinVar contains an entry for this variant (Variation ID: 1480826). An algorithm developed to predict the effect of missense changes on protein structure and function outputs the following: PolyPhen-2: "Benign". The methionine amino acid residue is found in multiple mammalian species, which suggests that this missense change does not adversely affect protein function. In summary, the available evidence is currently insufficient to determine the role of this variant in disease. Therefore, it has been classified as a Variant of Uncertain Significance.

Fulgent Genetics
Classification: Uncertain significance for Spondylometaphyseal dysplasia - Sutcliffe type; Glomerulopathy with fibronectin deposits 2. Last evaluated: 2024-01-09. Review status: criteria provided, single submitter. Criteria: ACMG Guidelines, 2015. Collection method: clinical testing. Allele origin: germline.

Ambry Genetics
Classification: Uncertain significance for Inborn genetic diseases. Last evaluated: 2023-10-20. Review status: criteria provided, single submitter. Criteria: Ambry Variant Classification Scheme 2023. Collection method: clinical testing. Allele origin: germline.